The following is an entry in ClinVar:

NM_021930.6(RINT1):c.1860T>G (p.Asp620Glu)

Gene: RINT1 (RAD50 interactor 1; plus strand). Cytogenetic location: 7q22.3.
Variant type: single nucleotide variant.
Coding change: c.1860T>G on transcript NM_021930.6 (MANE Select); coding-DNA position 1860, T replaced by G.
Protein change: p.Asp620Glu; replaces aspartic acid 620 with glutamic acid.
Molecular consequence: missense variant. On other transcripts: non-coding transcript variant (1).
Genome position (GRCh38, 1-based): chr7:105,563,921, T>G. VCF-style: chr7-105563921-T-G. GRCh37 (hg19) VCF-style: chr7-105204368-T-G.
Other names: c.1626T>G, p.Asp542Glu (NM_001346599.2); c.837T>G, p.Asp279Glu (NM_001346600.2, NM_001346603.2); c.936T>G, p.Asp312Glu (NM_001346601.2); short protein forms D312E, D620E, D542E, D279E.
Identifiers: ClinVar variation 657279 (VCV000657279.12), dbSNP rs905967185, ClinGen allele CA164066759.

ClinVar aggregate classification (germline): Uncertain significance. Review status: criteria provided, multiple submitters, no conflicts (2 of 4 stars). 2 submissions from 2 submitters: Uncertain significance (2). Last evaluated 2025-11-02.

Allele frequency attached by ClinVar (database versions not stated): gnomAD exomes below 0.00001; TOPMed 0.00001.
gnomAD v4.1: 2 of 1,614,042 alleles (0.00012%); highest among the groups gnomAD compares: Non-Finnish European, 0.00017%; no homozygotes.

Submissions (2):

Ambry Genetics
Classification: Uncertain significance. Last evaluated: 2025-11-02. Review status: criteria provided, single submitter. Criteria: Ambry Variant Classification Scheme 2023. Collection method: clinical testing. Allele origin: germline.
Comment: The p.D620E variant (also known as c.1860T>G), located in coding exon 12 of the RINT1 gene, results from a T to G substitution at nucleotide position 1860. The aspartic acid at codon 620 is replaced by glutamic acid, an amino acid with highly similar properties. This amino acid position is not well conserved in available vertebrate species. In addition, this alteration is predicted to be tolerated by in silico analysis. Since supporting evidence is limited at this time, the clinical significance of this alteration remains unclear.

Labcorp Genetics (formerly Invitae), Labcorp
Classification: Uncertain significance. Last evaluated: 2022-10-04. Review status: criteria provided, single submitter. Criteria: Invitae Variant Classification Sherloc (09022015). Collection method: clinical testing. Allele origin: germline.
Comment: Algorithms developed to predict the effect of missense changes on protein structure and function output the following: SIFT: "Tolerated"; PolyPhen-2: "Benign"; Align-GVGD: "Class C0". The glutamic acid amino acid residue is found in multiple mammalian species, which suggests that this missense change does not adversely affect protein function. In summary, the available evidence is currently insufficient to determine the role of this variant in disease. Therefore, it has been classified as a Variant of Uncertain Significance. ClinVar contains an entry for this variant (Variation ID: 657279). This variant has not been reported in the literature in individuals affected with RINT1-related conditions. This variant is not present in population databases (gnomAD no frequency). This sequence change replaces aspartic acid, which is acidic and polar, with glutamic acid, which is acidic and polar, at codon 620 of the RINT1 protein (p.Asp620Glu).